The following is an entry in ClinVar:

NM_206933.4(USH2A):c.14583-121T>C

Gene: USH2A (usherin; minus strand). Cytogenetic location: 1q41.
Variant type: single nucleotide variant.
Coding change: c.14583-121T>C on transcript NM_206933.4 (MANE Select); 121 bases into the intron before coding-DNA position 14583, T replaced by C.
Molecular consequence: intron variant.
Genome position (GRCh38, 1-based): chr1:215,647,851, A>G on the plus strand (T>C on the coding strand, the complement: USH2A is on the minus strand). VCF-style: chr1-215647851-A-G. GRCh37 (hg19) VCF-style: chr1-215821193-A-G.
Identifiers: ClinVar variation 4881786 (VCV004881786.2).

ClinVar aggregate classification (germline): Uncertain significance (1 of 4 stars; one submission).

Submission:

Dasa
Classification: Uncertain significance. Last evaluated: 2025-11-25. Review status: criteria provided, single submitter. Criteria: DASA Assertion Criteria. Collection method: clinical testing. Allele origin: germline.
Comment: NM_206933.4(USH2A):c.14583-121T>C is an intronic variant. This variant is rare in population databases. The currently available literature and clinical evidence are not sufficient to establish a definitive association between this variant and the reported condition. Therefore, this variant is classified as a variant of uncertain significance.